The following is an entry in ClinVar:

ClinVar aggregate classification (germline): Pathogenic (1 of 4 stars; one submission).

gnomAD v4.1: 1 of 1,614,152 alleles (0.000062%); highest among the groups gnomAD compares: Non-Finnish European, 0.000085%; no homozygotes.

Submission:

Labcorp Genetics (formerly Invitae), Labcorp
Classification: Pathogenic. Last evaluated: 2024-04-22. Review status: criteria provided, single submitter. Criteria: Invitae Variant Classification Sherloc (09022015). Collection method: clinical testing. Allele origin: germline.
Comment: This sequence change creates a premature translational stop signal (p.Tyr224*) in the POLE gene. It is expected to result in an absent or disrupted protein product. Loss-of-function variants in POLE are known to be pathogenic (PMID: 23230001, 25948378, 30503519). This variant is not present in population databases (gnomAD no frequency). This variant has not been reported in the literature in individuals affected with POLE-related conditions. ClinVar contains an entry for this variant (Variation ID: 850572). For these reasons, this variant has been classified as Pathogenic.

Literature cited by the submitters: PubMed 23230001; PubMed 25948378; PubMed 30503519.

NM_006231.4(POLE):c.672C>A (p.Tyr224Ter)

Gene: POLE (DNA polymerase epsilon, catalytic subunit; minus strand). Cytogenetic location: 12q24.33.
Variant type: single nucleotide variant.
Coding change: c.672C>A on transcript NM_006231.4 (MANE Select); coding-DNA position 672, C replaced by A.
Protein change: p.Tyr224Ter; replaces tyrosine 224 with a stop codon.
Molecular consequence: nonsense.
Genome position (GRCh38, 1-based): chr12:132,677,626, G>T on the plus strand (C>A on the coding strand, the complement: POLE is on the minus strand). VCF-style: chr12-132677626-G-T. GRCh37 (hg19) VCF-style: chr12-133254212-G-T.
Other names: short protein forms Y224*.
Identifiers: ClinVar variation 850572 (VCV000850572.9), dbSNP rs376923206, ClinGen allele CA387364879.